The following is an entry in ClinVar:

NM_001252024.2(TRPM1):c.3970T>C (p.Cys1324Arg)

Gene: TRPM1 (transient receptor potential cation channel subfamily M member 1; minus strand). Cytogenetic location: 15q13.3.
Variant type: single nucleotide variant.
Coding change: c.3970T>C on transcript NM_001252024.2 (MANE Select); coding-DNA position 3970, T replaced by C.
Protein change: p.Cys1324Arg; replaces cysteine 1324 with arginine.
Molecular consequence: missense variant.
Genome position (GRCh38, 1-based): chr15:31,002,730, A>G on the plus strand (T>C on the coding strand, the complement: TRPM1 is on the minus strand). VCF-style: chr15-31002730-A-G. GRCh37 (hg19) VCF-style: chr15-31294933-A-G.
Other names: c.4021T>C, p.Cys1341Arg (NM_001252020.2); c.3904T>C, p.Cys1302Arg (NM_002420.6); c.4021T>C (NM_001252020.1); short protein forms C1302R, C1324R, C1341R.
Identifiers: ClinVar variation 850230 (VCV000850230.11), dbSNP rs201888584, ClinGen allele CA7451722.

ClinVar aggregate classification (germline): Uncertain significance. Review status: criteria provided, multiple submitters, no conflicts (2 of 4 stars). 4 submissions from 4 submitters: Uncertain significance (4). Last evaluated 2026-08-30.

Conditions:
TRPM1-related disorder. Also called: TRPM1-related condition.
Congenital stationary night blindness 1C. Also called: Night blindness, congenital stationary (complete), 1C, autosomal recessive. Identifiers: Orphanet 215, MedGen C2750747, MONDO:0013183, OMIM 613216.

Allele frequency attached by ClinVar (database versions not stated): ESP Exome Variant Server 0.00016; ExAC 0.00022; gnomAD 0.00023 and 0.00024; TOPMed 0.00026; gnomAD exomes 0.00050.
gnomAD v4.1: 749 of 1,614,066 alleles (0.046%); highest among the groups gnomAD compares: Non-Finnish European, 0.061%; no homozygotes.

Submissions (4):

PreventionGenetics, part of Exact Sciences
Classification: Uncertain significance for TRPM1-related condition. Last evaluated: 2026-08-30. Review status: criteria provided, single submitter. Criteria: ACMG Guidelines, 2015. Collection method: clinical testing. Allele origin: germline.
Comment: The TRPM1 c.4021T>C variant is predicted to result in the amino acid substitution p.Cys1341Arg. This variant has been reported in an individual with cone-rod dystrophy but did not segregate with disease in the family (reported as p.C1302R in Audo et al. 2012. PubMed ID: 22277662). This variant is reported in 0.040% of alleles in individuals of European (Non-Finnish) descent in gnomAD. At this time, the clinical significance of this variant is uncertain due to the absence of conclusive functional and genetic evidence.

Labcorp Genetics (formerly Invitae), Labcorp
Classification: Uncertain significance. Last evaluated: 2026-02-02. Review status: criteria provided, single submitter. Criteria: Invitae Variant Classification Sherloc (09022015). Collection method: clinical testing. Allele origin: germline.
Comment: This sequence change replaces cysteine, which is neutral and slightly polar, with arginine, which is basic and polar, at codon 1302 of the TRPM1 protein (p.Cys1302Arg). This variant is present in population databases (rs201888584, gnomAD 0.04%). This missense change has been observed in individual(s) with clinical features of cone dystrophies (PMID: 22277662). ClinVar contains an entry for this variant (Variation ID: 850230). Invitae Evidence Modeling of protein sequence and biophysical properties (such as structural, functional, and spatial information, amino acid conservation, physicochemical variation, residue mobility, and thermodynamic stability) indicates that this missense variant is not expected to disrupt TRPM1 protein function with a negative predictive value of 95%. In summary, the available evidence is currently insufficient to determine the role of this variant in disease. Therefore, it has been classified as a Variant of Uncertain Significance.

Illumina Laboratory Services, Illumina
Classification: Uncertain significance for Congenital stationary night blindness 1C. Last evaluated: 2017-04-27. Review status: criteria provided, single submitter. Criteria: ICSL Variant Classification Criteria 13 December 2019. Collection method: clinical testing. Allele origin: germline.
Comment: This variant was observed as part of a predisposition screen in an ostensibly healthy population. A literature search was performed for the gene, cDNA change, and amino acid change (where applicable). Publications were found based on this search. However, the evidence from the literature, in combination with allele frequency data from public databases where available, was not sufficient to rule this variant in or out of causing disease. Therefore, this variant is classified as a variant of unknown significance.

Breakthrough Genomics
Classification: Uncertain significance. Review status: criteria provided, single submitter. Criteria: ACMG Guidelines, 2015. Collection method: not provided. Allele origin: germline. Inheritance: Unknown mechanism. Affected: yes.

Literature cited by the submitters: PubMed 22277662 (cited by Labcorp Genetics (formerly Invitae), Labcorp and Illumina Laboratory Services, Illumina).